The following is an entry in ClinVar:

NM_032119.4(ADGRV1):c.10549+25A>C

Gene: ADGRV1 (adhesion G protein-coupled receptor V1; plus strand). Cytogenetic location: 5q14.3.
Variant type: single nucleotide variant.
Coding change: c.10549+25A>C on transcript NM_032119.4 (MANE Select); 25 bases into the intron after coding-DNA position 10549, A replaced by C.
Molecular consequence: intron variant.
Genome position (GRCh38, 1-based): chr5:90,729,789, A>C. VCF-style: chr5-90729789-A-C. GRCh37 (hg19) VCF-style: chr5-90025606-A-C.
Identifiers: ClinVar variation 1686717 (VCV001686717.2), dbSNP rs370368330, ClinGen allele CA3340773.

ClinVar aggregate classification (germline): Likely benign (1 of 4 stars; one submission).

Allele frequency attached by ClinVar (database versions not stated): gnomAD exomes 0.00005 and 0.00013; ExAC 0.00015; 1000 Genomes Project 30x 0.00016; 1000 Genomes Project 0.00020; ESP Exome Variant Server 0.00042; gnomAD 0.00050 and 0.00056; TOPMed 0.00061.
gnomAD v4.1: 167 of 1,609,316 alleles (0.01%); highest among the groups gnomAD compares: African/African-American, 0.17%; 1 homozygote.

Submission:

GeneDx
Classification: Likely benign. Last evaluated: 2021-11-17. Review status: criteria provided, single submitter. Criteria: GeneDx Variant Classification Process June 2021. Collection method: clinical testing. Allele origin: germline. Affected: yes.
Comment: See Variant Classification Assertion Criteria.